The following is an entry in ClinVar:

NM_001401501.2(MUC16):c.6982G>T (p.Val2328Leu)

Gene: MUC16 (mucin 16, cell surface associated; minus strand). Cytogenetic location: 19p13.2.
Variant type: single nucleotide variant.
Coding change: c.6982G>T on transcript NM_001401501.2 (MANE Select); coding-DNA position 6982, G replaced by T.
Protein change: p.Val2328Leu; replaces valine 2328 with leucine.
Molecular consequence: missense variant.
Genome position (GRCh38, 1-based): chr19:8,974,277, C>A on the plus strand (G>T on the coding strand, the complement: MUC16 is on the minus strand). VCF-style: chr19-8974277-C-A. GRCh37 (hg19) VCF-style: chr19-9084953-C-A.
Other names: c.7408G>T, p.Val2470Leu (NM_001414686.1); c.6862G>T, p.Val2288Leu (NM_001414687.1, NM_024690.2); short protein forms V2288L, V2328L, V2470L.
Identifiers: ClinVar variation 781428 (VCV000781428.6), dbSNP rs10410933, ClinGen allele CA9172319.

ClinVar aggregate classification (germline): Benign. Review status: criteria provided, multiple submitters, no conflicts (2 of 4 stars). 3 submissions from 3 submitters: Benign (2). 1 of the submissions does not count toward it. Last evaluated 2018-08-14.

Conditions:
MUC16-related disorder. Also called: MUC16-related condition.

Allele frequency attached by ClinVar (database versions not stated): ExAC 0.00690; 1000 Genomes Project 0.02256; TOPMed 0.02468; gnomAD exomes 0.00237 and 0.00567; gnomAD 0.02175 and 0.02326; ESP Exome Variant Server 0.02330; 1000 Genomes Project 30x 0.02436.

Submissions (3):

Labcorp Genetics (formerly Invitae), Labcorp
Classification: Benign. Last evaluated: 2018-08-14. Review status: criteria provided, single submitter. Criteria: Invitae Variant Classification Sherloc (09022015). Collection method: clinical testing. Allele origin: germline.

Breakthrough Genomics
Classification: Benign. Review status: criteria provided, single submitter. Criteria: ACMG Guidelines, 2015. Collection method: not provided. Allele origin: germline. Inheritance: Unknown mechanism. Affected: yes.

PreventionGenetics, part of Exact Sciences
Classification: Benign for MUC16-related condition. Last evaluated: 2019-10-01. Review status: no assertion criteria provided. Collection method: clinical testing. Allele origin: germline. Not counted in ClinVar's aggregate classification.
Comment: This variant is classified as benign based on ACMG/AMP sequence variant interpretation guidelines (Richards et al. 2015 PMID: 25741868, with internal and published modifications).